The following is an entry in ClinVar:

NM_000143.4(FH):c.722C>T (p.Pro241Leu)

Gene: FH (fumarate hydratase; minus strand). Cytogenetic location: 1q43.
Variant type: single nucleotide variant.
Coding change: c.722C>T on transcript NM_000143.4 (MANE Select); coding-DNA position 722, C replaced by T.
Protein change: p.Pro241Leu; replaces proline 241 with leucine.
Molecular consequence: missense variant.
Genome position (GRCh38, 1-based): chr1:241,508,619, G>A on the plus strand (C>T on the coding strand, the complement: FH is on the minus strand). VCF-style: chr1-241508619-G-A. GRCh37 (hg19) VCF-style: chr1-241671919-G-A.
Other names: short protein forms P241L.
Identifiers: ClinVar variation 485561 (VCV000485561.19), dbSNP rs1553341319, ClinGen allele CA345439171.

ClinVar aggregate classification (germline): Uncertain significance. Review status: criteria provided, multiple submitters, no conflicts (2 of 4 stars). 4 submissions from 4 submitters: Uncertain significance (4). Last evaluated 2026-07-17.

Conditions:
Hereditary cancer-predisposing syndrome. Also called: Neoplastic Syndromes, Hereditary; Hereditary neoplastic syndrome; Hereditary Cancer Syndrome; Tumor predisposition. Identifiers: Orphanet 140162, MedGen C0027672, MeSH D009386, MONDO:0015356.

Submissions (4):

Ambry Genetics
Classification: Uncertain significance for Hereditary cancer-predisposing syndrome. Last evaluated: 2026-07-17. Review status: criteria provided, single submitter. Criteria: Ambry Variant Classification Scheme 2023. Collection method: clinical testing. Allele origin: germline.
Comment: The p.P241L variant (also known as c.722C>T), located in coding exon 5 of the FH gene, results from a C to T substitution at nucleotide position 722. The proline at codon 241 is replaced by leucine, an amino acid with similar properties. This amino acid position is highly conserved in available vertebrate species. In addition, this alteration is predicted to be deleterious by in silico analysis. Based on the available evidence, the clinical significance of this variant remains unclear.

Center for Genomic Medicine, Rigshospitalet, Copenhagen University Hospital
Classification: Uncertain significance. Last evaluated: 2025-03-04. Review status: criteria provided, single submitter. Criteria: ACMG Guidelines, 2015. Collection method: clinical testing. Allele origin: germline.

Labcorp Genetics (formerly Invitae), Labcorp
Classification: Uncertain significance. Last evaluated: 2025-02-04. Review status: criteria provided, single submitter. Criteria: Invitae Variant Classification Sherloc (09022015). Collection method: clinical testing. Allele origin: germline.
Comment: This sequence change replaces proline, which is neutral and non-polar, with leucine, which is neutral and non-polar, at codon 241 of the FH protein (p.Pro241Leu). This variant is not present in population databases (gnomAD no frequency). This variant has not been reported in the literature in individuals affected with FH-related conditions. ClinVar contains an entry for this variant (Variation ID: 485561). Invitae Evidence Modeling of protein sequence and biophysical properties (such as structural, functional, and spatial information, amino acid conservation, physicochemical variation, residue mobility, and thermodynamic stability) indicates that this missense variant is expected to disrupt FH protein function with a positive predictive value of 95%. In summary, the available evidence is currently insufficient to determine the role of this variant in disease. Therefore, it has been classified as a Variant of Uncertain Significance.

GeneDx
Classification: Uncertain significance. Last evaluated: 2023-10-19. Review status: criteria provided, single submitter. Criteria: GeneDx Variant Classification Process June 2021. Collection method: clinical testing. Allele origin: germline. Affected: yes.
Comment: Not observed at significant frequency in large population cohorts (gnomAD); In silico analysis supports that this missense variant has a deleterious effect on protein structure/function; Has not been previously published as pathogenic or benign to our knowledge